The following is an entry in ClinVar:

NM_005592.4(MUSK):c.1465T>C (p.Ser489Pro)

Gene: MUSK (muscle associated receptor tyrosine kinase; plus strand). Cytogenetic location: 9q31.3.
Variant type: single nucleotide variant.
Coding change: c.1465T>C on transcript NM_005592.4 (MANE Select); coding-DNA position 1465, T replaced by C.
Protein change: p.Ser489Pro; replaces serine 489 with proline.
Molecular consequence: missense variant.
Genome position (GRCh38, 1-based): chr9:110,784,895, T>C. VCF-style: chr9-110784895-T-C. GRCh37 (hg19) VCF-style: chr9-113547175-T-C.
Other names: c.1207T>C, p.Ser403Pro (NM_001166280.2); c.1177T>C, p.Ser393Pro (NM_001166281.2); c.205T>C, p.Ser69Pro (NM_001369398.1); short protein forms S403P, S489P, S393P, S69P.
Identifiers: ClinVar variation 953730 (VCV000953730.10), dbSNP rs1161905783, ClinGen allele CA374474964.
Genomic context (GRCh38, chr9:110,784,895, plus strand): 5'-TCAAAGCCAAGTGTGGACATTCCAAATCTGCCTTCCTCCTCCTCTTCTTCCTTCTCTGTC[T>C]CACCTACATACTCCATGACTGTAATAATCTCCATCATGTCCAGCTTTGCAATATTTGTGC-3'
Protein context (NP_005583.1, residues 479-499): PSSSSSSFSV[Ser489Pro]PTYSMTVIIS

ClinVar aggregate classification (germline): Uncertain significance (1 of 4 stars; one submission).

Conditions:
Fetal akinesia deformation sequence 1 (FADS1). Also called: Fetal akinesia sequence; Pena-Shokeir syndrome type I. Identifiers: Orphanet 994, MedGen C1276035, MONDO:0100101, OMIM 208150, HP:0001989.
Congenital myasthenic syndrome 9. Also called: Myasthenic syndrome, congenital, 9, associated with acetylcholine receptor deficiency. Identifiers: Orphanet 590, MedGen C4225368, MONDO:0014587, OMIM 616325.

Allele frequency attached by ClinVar (database versions not stated): TOPMed below 0.00001; gnomAD 0.00001.
gnomAD v4.1: 1 of 1,613,702 alleles (0.000062%); highest among the groups gnomAD compares: Non-Finnish European, 0.000085%; no homozygotes.

Submission:

Labcorp Genetics (formerly Invitae), Labcorp
Classification: Uncertain significance for Congenital myasthenic syndrome 9; Fetal akinesia deformation sequence 1. Last evaluated: 2019-07-09. Review status: criteria provided, single submitter. Criteria: Invitae Variant Classification Sherloc (09022015). Collection method: clinical testing. Allele origin: germline.
Comment: In summary, the available evidence is currently insufficient to determine the role of this variant in disease. Therefore, it has been classified as a Variant of Uncertain Significance. Algorithms developed to predict the effect of missense changes on protein structure and function are either unavailable or do not agree on the potential impact of this missense change (SIFT: "Deleterious"; PolyPhen-2: "Benign"; Align-GVGD: "Class C0"). This variant has not been reported in the literature in individuals with MUSK-related conditions. This variant is not present in population databases (ExAC no frequency). This sequence change replaces serine with proline at codon 489 of the MUSK protein (p.Ser489Pro). The serine residue is highly conserved and there is a moderate physicochemical difference between serine and proline.